The following is an entry in ClinVar:

ClinVar aggregate classification (germline): Uncertain significance. Review status: criteria provided, multiple submitters, no conflicts (2 of 4 stars). 4 submissions from 4 submitters: Uncertain significance (3). 1 of the submissions does not count toward it. Last evaluated 2024-07-22.

Conditions:
Alstrom syndrome (ALMS). Identifiers: Orphanet 64, MedGen C0268425, MONDO:0008763, OMIM 203800.

Allele frequency attached by ClinVar (database versions not stated): gnomAD exomes below 0.00001.
gnomAD v4.1: 1 of 1,614,016 alleles (0.000062%); highest among the groups gnomAD compares: African/African-American, 0.0013%; no homozygotes.

Submissions (4):

GeneDx
Classification: Uncertain significance. Last evaluated: 2024-07-22. Review status: criteria provided, single submitter. Criteria: GeneDx Variant Classification Process June 2021. Collection method: clinical testing. Allele origin: germline. Affected: yes.
Comment: Not observed at significant frequency in large population cohorts (gnomAD); In silico analysis supports that this missense variant has a deleterious effect on protein structure/function; Has not been previously published as pathogenic or benign to our knowledge

Blueprint Genetics
Classification: Uncertain significance. Last evaluated: 2023-03-31. Review status: criteria provided, single submitter. Criteria: ACMG Guidelines, 2015. Collection method: clinical testing. Allele origin: germline.

Labcorp Genetics (formerly Invitae), Labcorp
Classification: Uncertain significance for Alstrom syndrome. Last evaluated: 2022-08-31. Review status: criteria provided, single submitter. Criteria: Invitae Variant Classification Sherloc (09022015). Collection method: clinical testing. Allele origin: germline.
Comment: This sequence change replaces glutamic acid, which is acidic and polar, with lysine, which is basic and polar, at codon 2366 of the ALMS1 protein (p.Glu2366Lys). This variant is not present in population databases (gnomAD no frequency). This variant has not been reported in the literature in individuals affected with ALMS1-related conditions. ClinVar contains an entry for this variant (Variation ID: 659745). In summary, the available evidence is currently insufficient to determine the role of this variant in disease. Therefore, it has been classified as a Variant of Uncertain Significance.

Natera, Inc.
Classification: Uncertain significance for Alstrom syndrome. Last evaluated: 2021-01-26. Review status: no assertion criteria provided. Collection method: clinical testing. Allele origin: germline. Not counted in ClinVar's aggregate classification.

NM_001378454.1(ALMS1):c.7093G>A (p.Glu2365Lys)

Gene: ALMS1 (ALMS1 centrosome and basal body associated protein; plus strand). Cytogenetic location: 2p13.1.
Variant type: single nucleotide variant.
Coding change: c.7093G>A on transcript NM_001378454.1 (MANE Select); coding-DNA position 7093, G replaced by A.
Protein change: p.Glu2365Lys; replaces glutamic acid 2365 with lysine.
Molecular consequence: missense variant.
Genome position (GRCh38, 1-based): chr2:73,453,620, G>A. VCF-style: chr2-73453620-G-A. GRCh37 (hg19) VCF-style: chr2-73680747-G-A.
Other names: c.7096G>A, p.Glu2366Lys (NM_015120.4); short protein forms E2366K, E2365K.
Identifiers: ClinVar variation 659745 (VCV000659745.9), dbSNP rs1572938591, ClinGen allele CA347290938.